The following is an entry in ClinVar:

NM_001378454.1(ALMS1):c.5787del (p.Lys1930fs)

Gene: ALMS1 (ALMS1 centrosome and basal body associated protein; plus strand). Cytogenetic location: 2p13.1.
Variant type: Deletion.
Coding change: c.5787del on transcript NM_001378454.1 (MANE Select); coding-DNA position 5787, one base deleted (G; older notation c.5787delG).
Protein change: p.Lys1930fs; shifts the reading frame from lysine 1930.
Molecular consequence: frameshift variant.
Genome position (GRCh38, 1-based): chr2:73,452,314, G deleted; the last of 2 consecutive G bases (chr2:73,452,313-73,452,314); deleting either gives the same sequence. VCF-style (leftmost placement, unchanged base first): chr2-73452312-CG-C. GRCh37 (hg19) VCF-style: chr2-73679439-CG-C.
Other names: c.5790del, p.Lys1931fs (NM_015120.4); short protein forms K1930fs, K1931fs.
Identifiers: ClinVar variation 2975384 (VCV002975384.3), dbSNP rs2466106443, ClinGen allele CA2740095620.

ClinVar aggregate classification (germline): Pathogenic (1 of 4 stars; one submission).

Conditions:
Alstrom syndrome (ALMS). Identifiers: Orphanet 64, MedGen C0268425, MONDO:0008763, OMIM 203800.

Submission:

Labcorp Genetics (formerly Invitae), Labcorp
Classification: Pathogenic for Alstrom syndrome. Last evaluated: 2023-01-25. Review status: criteria provided, single submitter. Criteria: Invitae Variant Classification Sherloc (09022015). Collection method: clinical testing. Allele origin: germline.
Comment: For these reasons, this variant has been classified as Pathogenic. This variant has not been reported in the literature in individuals affected with ALMS1-related conditions. This variant is not present in population databases (gnomAD no frequency). This sequence change creates a premature translational stop signal (p.Lys1931Argfs*9) in the ALMS1 gene. It is expected to result in an absent or disrupted protein product. Loss-of-function variants in ALMS1 are known to be pathogenic (PMID: 17594715).

Literature cited by the submitters: PubMed 17594715.